The following is an entry in ClinVar:

ClinVar aggregate classification (germline): Likely pathogenic (1 of 4 stars; one submission).

Conditions:
Cardiac malformation, cleft lip/palate, microcephaly, and digital anomalies. Also called: CLEFT PALATE, CARDIAC DEFECTS, AND IMPAIRED INTELLECTUAL DEVELOPMENT. Identifiers: MedGen C1832950, MONDO:0010970, OMIM 600987.

Submission:

Laboratorio de Genetica e Diagnostico Molecular, Hospital Israelita Albert Einstein
Classification: Likely pathogenic for Cardiac malformation, cleft lip/palate, microcephaly, and digital anomalies. Last evaluated: 2021-07-15. Review status: criteria provided, single submitter. Criteria: ACMG Guidelines, 2015. Collection method: clinical testing. Allele origin: germline. Affected: yes.
Comment: ACMG classification criteria: PVS1 very strong, PM2 moderate

NM_170675.5(MEIS2):c.1025C>G (p.Ser342Ter)

Gene: MEIS2 (Meis homeobox 2; minus strand). Cytogenetic location: 15q14.
Variant type: single nucleotide variant.
Coding change: c.1025C>G on transcript NM_170675.5 (MANE Select); coding-DNA position 1025, C replaced by G.
Protein change: p.Ser342Ter; replaces serine 342 with a stop codon.
Molecular consequence: nonsense. On other transcripts: non-coding transcript variant (1).
Genome position (GRCh38, 1-based): chr15:36,896,639, G>C on the plus strand (C>G on the coding strand, the complement: MEIS2 is on the minus strand). VCF-style: chr15-36896639-G-C. GRCh37 (hg19) VCF-style: chr15-37188840-G-C.
Other names: c.1025C>G, p.Ser342Ter (NM_001220482.2, NM_170674.5, NM_170676.5 and 1 more transcripts); c.986C>G, p.Ser329Ter (NM_002399.4, NM_172315.3); c.761C>G, p.Ser254Ter (NM_172316.3); short protein forms S254*, S329*, S342*.
Identifiers: ClinVar variation 1683752 (VCV001683752.2), dbSNP rs2141225080, ClinGen allele CA391926877.